The following is an entry in ClinVar:

NM_022773.4(LMF1):c.768C>G (p.His256Gln)

Gene: LMF1 (lipase maturation factor 1; minus strand). Cytogenetic location: 16p13.3.
Variant type: single nucleotide variant.
Coding change: c.768C>G on transcript NM_022773.4 (MANE Select); coding-DNA position 768, C replaced by G.
Protein change: p.His256Gln; replaces histidine 256 with glutamine.
Molecular consequence: missense variant. On other transcripts: non-coding transcript variant (1).
Genome position (GRCh38, 1-based): chr16:879,699, G>C on the plus strand (C>G on the coding strand, the complement: LMF1 is on the minus strand). VCF-style: chr16-879699-G-C. GRCh37 (hg19) VCF-style: chr16-929699-G-C.
Other names: c.117C>G, p.His39Gln (NM_001352017.2, NM_001352021.2); c.369C>G, p.His123Gln (NM_001352018.2); c.441C>G, p.His147Gln (NM_001352019.2); c.768C>G, p.His256Gln (NM_001352020.1); short protein forms H123Q, H147Q, H256Q, H39Q.
Identifiers: ClinVar variation 3346425 (VCV003346425.1).

ClinVar aggregate classification (germline): Uncertain significance (0 of 4 stars; one submission).

Conditions:
LMF1-related disorder. Also called: LMF1-related condition.

gnomAD v4.1: 3 of 1,602,930 alleles (0.00019%); highest among the groups gnomAD compares: South Asian, 0.0011%; no homozygotes.

Submission:

PreventionGenetics, part of Exact Sciences
Classification: Uncertain significance for LMF1-related condition. Last evaluated: 2024-08-15. Review status: no assertion criteria provided. Collection method: clinical testing. Allele origin: germline.
Comment: The LMF1 c.768C>G variant is predicted to result in the amino acid substitution p.His256Gln. To our knowledge, this variant has not been reported in the literature. This variant is reported in 0.00098% of alleles in individuals of European (Non-Finnish) descent in gnomAD. At this time, the clinical significance of this variant is uncertain due to the absence of conclusive functional and genetic evidence.